The following is an entry in ClinVar:

NM_003072.5(SMARCA4):c.302G>T (p.Gly101Val)

Gene: SMARCA4 (SWI/SNF related BAF chromatin remodeling complex subunit ATPase 4; plus strand). Cytogenetic location: 19p13.2.
Variant type: single nucleotide variant.
Coding change: c.302G>T on transcript NM_003072.5 (MANE Select); coding-DNA position 302, G replaced by T.
Protein change: p.Gly101Val; replaces glycine 101 with valine.
Molecular consequence: missense variant. On other transcripts: non-coding transcript variant (1).
Genome position (GRCh38, 1-based): chr19:10,985,352, G>T. VCF-style: chr19-10985352-G-T. GRCh37 (hg19) VCF-style: chr19-11096028-G-T.
Other names: c.302G>T, p.Gly101Val (NM_001128844.3, NM_001128845.2, NM_001128846.2 and 5 more transcripts); short protein forms G101V.
Identifiers: ClinVar variation 1054590 (VCV001054590.14), dbSNP rs1555752083, ClinGen allele CA404055253.

ClinVar aggregate classification (germline): Conflicting classifications of pathogenicity. Review status: criteria provided, conflicting classifications (1 of 4 stars). 3 submissions from 3 submitters: Uncertain significance (2); Likely benign (1). Last evaluated 2025-09-07.

Conditions:
Hereditary cancer-predisposing syndrome. Also called: Hereditary Cancer Syndrome; Tumor predisposition; Hereditary neoplastic syndrome; Neoplastic Syndromes, Hereditary. Identifiers: Orphanet 140162, MedGen C0027672, MeSH D009386, MONDO:0015356.
Rhabdoid tumor predisposition syndrome 2 (RTPS2). Identifiers: Orphanet 231108, Orphanet 69077, MedGen C2750074, MONDO:0013224, OMIM 613325.

Allele frequency attached by ClinVar (database versions not stated): gnomAD 0.00001; TOPMed 0.00001.

Submissions (3):

Ambry Genetics
Classification: Likely benign for Hereditary cancer-predisposing syndrome. Last evaluated: 2025-09-07. Review status: criteria provided, single submitter. Criteria: Ambry Variant Classification Scheme 2023. Collection method: clinical testing. Allele origin: germline.

Labcorp Genetics (formerly Invitae), Labcorp
Classification: Uncertain significance for Rhabdoid tumor predisposition syndrome 2. Last evaluated: 2025-02-03. Review status: criteria provided, single submitter. Criteria: Invitae Variant Classification Sherloc (09022015). Collection method: clinical testing. Allele origin: germline.
Comment: This sequence change replaces glycine, which is neutral and non-polar, with valine, which is neutral and non-polar, at codon 101 of the SMARCA4 protein (p.Gly101Val). This variant is not present in population databases (gnomAD no frequency). This variant has not been reported in the literature in individuals affected with SMARCA4-related conditions. ClinVar contains an entry for this variant (Variation ID: 1054590). Invitae Evidence Modeling of protein sequence and biophysical properties (such as structural, functional, and spatial information, amino acid conservation, physicochemical variation, residue mobility, and thermodynamic stability) indicates that this missense variant is not expected to disrupt SMARCA4 protein function with a negative predictive value of 95%. In summary, the available evidence is currently insufficient to determine the role of this variant in disease. Therefore, it has been classified as a Variant of Uncertain Significance.

GeneDx
Classification: Uncertain significance. Last evaluated: 2023-11-21. Review status: criteria provided, single submitter. Criteria: GeneDx Variant Classification Process June 2021. Collection method: clinical testing. Allele origin: germline. Affected: yes.
Comment: Not observed at significant frequency in large population cohorts (gnomAD); In silico analysis supports that this missense variant does not alter protein structure/function; Has not been previously published as pathogenic or benign to our knowledge